The following is an entry in ClinVar:

NM_032043.3(BRIP1):c.3095G>A (p.Ser1032Asn)

Gene: BRIP1 (BRCA1 interacting DNA helicase 1; minus strand). Cytogenetic location: 17q23.2.
Variant type: single nucleotide variant.
Coding change: c.3095G>A on transcript NM_032043.3 (MANE Select); coding-DNA position 3095, G replaced by A.
Protein change: p.Ser1032Asn; replaces serine 1032 with asparagine.
Molecular consequence: missense variant.
Genome position (GRCh38, 1-based): chr17:61,683,951, C>T on the plus strand (G>A on the coding strand, the complement: BRIP1 is on the minus strand). VCF-style: chr17-61683951-C-T. GRCh37 (hg19) VCF-style: chr17-59761312-C-T.
Other names: short protein forms S1032N.
Identifiers: ClinVar variation 2944907 (VCV002944907.3), dbSNP rs2144088384, ClinGen allele CA400479771.

ClinVar aggregate classification (germline): Uncertain significance (1 of 4 stars; one submission).

Conditions:
Fanconi anemia complementation group J. Also called: BRIP1-Related Fanconi Anemia. Identifiers: Orphanet 84, MedGen C1836860, MONDO:0012187, OMIM 609054.
Familial cancer of breast. Also called: BREAST CANCER, FAMILIAL; Hereditary breast cancer; hereditary breast carcinoma. Identifiers: Orphanet 227535, MedGen C0346153, MONDO:0016419, OMIM 114480. Disease mechanism: loss of function.

Submission:

Labcorp Genetics (formerly Invitae), Labcorp
Classification: Uncertain significance for Familial cancer of breast; Fanconi anemia complementation group J. Last evaluated: 2023-03-03. Review status: criteria provided, single submitter. Criteria: Invitae Variant Classification Sherloc (09022015). Collection method: clinical testing. Allele origin: germline.
Comment: In summary, the available evidence is currently insufficient to determine the role of this variant in disease. Therefore, it has been classified as a Variant of Uncertain Significance. Algorithms developed to predict the effect of missense changes on protein structure and function output the following: SIFT: "Not Available"; PolyPhen-2: "Benign"; Align-GVGD: "Not Available". The asparagine amino acid residue is found in multiple mammalian species, which suggests that this missense change does not adversely affect protein function. This variant has not been reported in the literature in individuals affected with BRIP1-related conditions. This variant is not present in population databases (gnomAD no frequency). This sequence change replaces serine, which is neutral and polar, with asparagine, which is neutral and polar, at codon 1032 of the BRIP1 protein (p.Ser1032Asn).